The following is an entry in ClinVar:

ClinVar aggregate classification (germline): Uncertain significance (1 of 4 stars; one submission).

Conditions:
FREM1-related disorder. Also called: FREM1-related condition; FREM1-Related Disorders.

gnomAD v4.1: 15 of 1,604,908 alleles (0.00093%); highest among the groups gnomAD compares: African/African-American, 0.019%; no homozygotes.

Submission:

PreventionGenetics, part of Exact Sciences
Classification: Uncertain significance for FREM1-related condition. Last evaluated: 2025-07-11. Review status: criteria provided, single submitter. Criteria: ACMG Guidelines, 2015. Collection method: clinical testing. Allele origin: germline.
Comment: The FREM1 c.2891C>G variant is predicted to result in the amino acid substitution p.Thr964Arg. To our knowledge, this variant has not been reported in the literature. This variant is reported in 0.012% of alleles in individuals of African descent in gnomAD. At this time, the clinical significance of this variant is uncertain due to the absence of conclusive functional and genetic evidence.

NM_001379081.2(FREM1):c.2891C>G (p.Thr964Arg)

Genes: FREM1 (FRAS1 related extracellular matrix 1; minus strand), LOC126860582 (P300/CBP strongly-dependent group 1 enhancer GRCh37_chr9:14812530-14813729; plus strand). Cytogenetic location: 9p22.3.
Variant type: single nucleotide variant.
Coding change: c.2891C>G on transcript NM_001379081.2 (MANE Select); coding-DNA position 2891, C replaced by G.
Protein change: p.Thr964Arg; replaces threonine 964 with arginine.
Molecular consequence: missense variant. On other transcripts: non-coding transcript variant (2).
Genome position (GRCh38, 1-based): chr9:14,812,814, G>C on the plus strand (C>G on the coding strand, the complement: FREM1 is on the minus strand). VCF-style: chr9-14812814-G-C. GRCh37 (hg19) VCF-style: chr9-14812812-G-C.
Other names: c.2891C>G, p.Thr964Arg (NM_144966.7); short protein forms T964R.
Identifiers: ClinVar variation 4977755 (VCV004977755.1).
Genomic context (GRCh38, chr9:14,812,814, plus strand): 5'-GGAGTGGAGACTCTCATGTTGCTTGCATTCCCTCACTGGTCACCATGCTGCTGCTTACCT[G>C]TGTGTTTGTATGTCACGGCCTCTGAGATAACATCTCTCTGAGAGAACTGATCCACTGTGA-3'
Protein context (NP_001366010.1, residues 954-974): VISEAVTYKH[Thr964Arg]GGEIGLMPCF